The following is an entry in ClinVar:

ClinVar aggregate classification (germline): Uncertain significance (1 of 4 stars; one submission).

Submission:

GeneDx
Classification: Uncertain significance. Last evaluated: 2022-03-23. Review status: criteria provided, single submitter. Criteria: GeneDx Variant Classification Process June 2021. Collection method: clinical testing. Allele origin: germline. Affected: yes.
Comment: Not observed at significant frequency in large population cohorts (gnomAD); In silico analysis supports that this missense variant does not alter protein structure/function; Has not been previously published as pathogenic or benign to our knowledge

NM_015559.3(SETBP1):c.3874G>C (p.Asp1292His)

Gene: SETBP1 (SET binding protein 1; plus strand). Cytogenetic location: 18q12.3.
Variant type: single nucleotide variant.
Coding change: c.3874G>C on transcript NM_015559.3 (MANE Select); coding-DNA position 3874, G replaced by C.
Protein change: p.Asp1292His; replaces aspartic acid 1292 with histidine.
Molecular consequence: missense variant.
Genome position (GRCh38, 1-based): chr18:44,953,214, G>C. VCF-style: chr18-44953214-G-C. GRCh37 (hg19) VCF-style: chr18-42533179-G-C.
Other names: c.3874G>C, p.Asp1292His (NM_001379141.1, NM_001379142.1, NM_001410862.1); short protein forms D1292H.
Identifiers: ClinVar variation 1707070 (VCV001707070.2), dbSNP rs2511477614, ClinGen allele CA402325376.